The following is an entry in ClinVar:

ClinVar aggregate classification (germline): Uncertain significance (0 of 4 stars; one submission).

Conditions:
NRP1-related disorder. Also called: NRP1-related condition.

Submission:

PreventionGenetics, part of Exact Sciences
Classification: Uncertain significance for NRP1-related condition. Last evaluated: 2024-09-16. Review status: no assertion criteria provided. Collection method: clinical testing. Allele origin: germline.
Comment: The NRP1 c.689A>G variant is predicted to result in the amino acid substitution p.Gln230Arg. To our knowledge, this variant has not been reported in the literature or in a large population database, indicating this variant is rare. At this time, the clinical significance of this variant is uncertain due to the absence of conclusive functional and genetic evidence.

NM_003873.7(NRP1):c.689A>G (p.Gln230Arg)

Gene: NRP1 (neuropilin 1; minus strand). Cytogenetic location: 10p11.22.
Variant type: single nucleotide variant.
Coding change: c.689A>G on transcript NM_003873.7 (MANE Select); coding-DNA position 689, A replaced by G.
Protein change: p.Gln230Arg; replaces glutamine 230 with arginine.
Molecular consequence: missense variant. On other transcripts: non-coding transcript variant (1).
Genome position (GRCh38, 1-based): chr10:33,256,441, T>C on the plus strand (A>G on the coding strand, the complement: NRP1 is on the minus strand). VCF-style: chr10-33256441-T-C. GRCh37 (hg19) VCF-style: chr10-33545369-T-C.
Other names: c.689A>G, p.Gln230Arg (NM_001024628.3, NM_001024629.3, NM_001244972.2 and 2 more transcripts); short protein forms Q230R.
Identifiers: ClinVar variation 3353234 (VCV003353234.1).